The following is an entry in ClinVar:

ClinVar aggregate classification (germline): Uncertain significance (1 of 4 stars; one submission).

Submission:

Labcorp Genetics (formerly Invitae), Labcorp
Classification: Uncertain significance. Last evaluated: 2023-11-02. Review status: criteria provided, single submitter. Criteria: Invitae Variant Classification Sherloc (09022015). Collection method: clinical testing. Allele origin: germline.
Comment: This sequence change results in a frameshift in the ARHGDIA gene (p.Ala153Valfs*88). While this is not anticipated to result in nonsense mediated decay, it is expected to disrupt the last 52 amino acid(s) of the ARHGDIA protein and extend the protein by 35 additional amino acid residues. This variant is not present in population databases (gnomAD no frequency). This variant has not been reported in the literature in individuals affected with ARHGDIA-related conditions. Experimental studies and prediction algorithms are not available or were not evaluated, and the functional significance of this variant is currently unknown. In summary, the available evidence is currently insufficient to determine the role of this variant in disease. Therefore, it has been classified as a Variant of Uncertain Significance.

NM_004309.6(ARHGDIA):c.458_*278delinsTCTCCTGTCTCGTTGCTGCTTCTGCCTGTG (p.Ala153fs)

Gene: ARHGDIA (Rho GDP dissociation inhibitor alpha; minus strand). Cytogenetic location: 17q25.3.
Variant type: Indel.
Coding change: c.458_*278delinsTCTCCTGTCTCGTTGCTGCTTCTGCCTGTG on transcript NM_004309.6 (MANE Select); coding-DNA position 458 through 278 bases downstream of the stop codon, the reference bases replaced by TCTCCTGTCTCGTTGCTGCTTCTGCCTGTG.
Protein change: p.Ala153fs; shifts the reading frame from alanine 153.
Molecular consequence: frameshift variant. On other transcripts: non-coding transcript variant (1), splice acceptor variant (2), splice donor variant (2).
Genome position (GRCh38, 1-based): chr17:81,868,598-81,869,033, 436 bases replaced. GRCh37 (hg19): chr17:79,826,474-79,826,909.
Other names: c.458_*278delinsTCTCCTGTCTCGTTGCTGCTTCTGCCTGTG, p.Ala153fs (NM_001185077.3); c.593_*278delinsTCTCCTGTCTCGTTGCTGCTTCTGCCTGTG, p.Ala198fs (NM_001301243.2); c.416-90_*278delinsTCTCCTGTCTCGTTGCTGCTTCTGCCTGTG (NM_001185078.3); c.435+23_781delinsTCTCCTGTCTCGTTGCTGCTTCTGCCTGTG (NM_001301242.2); c.458_503-14delinsTCTCCTGTCTCGTTGCTGCTTCTGCCTGTG (NM_001301240.2, NM_001301241.2); short protein forms A153fs, A198fs.
Identifiers: ClinVar variation 2773084 (VCV002773084.3), dbSNP rs2509970491, ClinGen allele CA2697555263.